The following is an entry in ClinVar:

NM_000814.6(GABRB3):c.241-4055_241-4054insTCCCCACAGCCAA

Gene: GABRB3 (gamma-aminobutyric acid type A receptor subunit beta3; minus strand). Cytogenetic location: 15q12.
Variant type: Insertion.
Coding change: c.241-4055_241-4054insTCCCCACAGCCAA on transcript NM_000814.6 (MANE Select); 4055 bases into the intron before coding-DNA position 241 through 4054 bases into the intron before coding-DNA position 241, TCCCCACAGCCAA inserted.
Molecular consequence: intron variant.
Genome position: GRCh38 VCF-style: chr15-26625588-T-TATTGGCTGTGGGG. GRCh37 (hg19) VCF-style: chr15-26870735-T-TATTGGCTGTGGGG.
Other names: c.241-4055_241-4054insTCCCCACAGCCAA (NM_021912.5); c.-15-4055_-15-4054insTCCCCACAGCCAA (NM_001278631.2, NM_001191320.2); c.27+3388_27+3389insTCCCCACAGCCAA (NM_001191321.3).
Identifiers: ClinVar variation 3256858 (VCV003256858.2).

ClinVar aggregate classification (germline): Benign (1 of 4 stars; one submission).

Submission:

Unidad de Genómica Garrahan, Hospital de Pediatría Garrahan
Classification: Benign. Last evaluated: 2024-07-31. Review status: criteria provided, single submitter. Criteria: ACMG Guidelines, 2015. Collection method: clinical testing. Allele origin: germline. Affected: no. Observed: 64 variant alleles.
Comment: This variant is classified as Benign based on local population frequency. This variant was detected in 69% of patients studied in a panel designed for Epileptic and Developmental Encephalopathy, Progressive Myoclonus Epilepsy and Abnormal Movements and Neurodegeneration with brain iron accumulation. Number of patients: 64. Only high quality variants are reported.